The following is an entry in ClinVar:

ClinVar aggregate classification (germline): Likely pathogenic (1 of 4 stars; one submission).

Conditions:
PDZD7-related disorder. Also called: PDZD7-related disorders; PDZD7-related condition.

Submission:

PreventionGenetics, part of Exact Sciences
Classification: Likely pathogenic for PDZD7-related condition. Last evaluated: 2023-03-13. Review status: criteria provided, single submitter. Criteria: ACMG Guidelines, 2015. Collection method: clinical testing. Allele origin: germline.
Comment: The PDZD7 c.175_182del8 variant is predicted to result in a frameshift and premature protein termination (p.Arg59Ilefs*18). To our knowledge, this variant has not been reported in the literature or in a large population database, indicating this variant is rare. Frameshift variants in PDZD7 are expected to be pathogenic. This variant is interpreted as likely pathogenic.

NM_001195263.2(PDZD7):c.175_182del (p.Arg59fs)

Gene: PDZD7 (PDZ domain containing 7; minus strand). Cytogenetic location: 10q24.31.
Variant type: Deletion.
Coding change: c.175_182del on transcript NM_001195263.2 (MANE Select); coding-DNA positions 175 to 182, 8 bases deleted (CGAGCCTC; older notation c.175_182delCGAGCCTC).
Protein change: p.Arg59fs; shifts the reading frame from arginine 59.
Molecular consequence: frameshift variant.
Genome position (GRCh38, 1-based): chr10:101,030,038-101,030,045, GAGGCTCG deleted on the plus strand (CGAGCCTC on the coding strand, the reverse complement: PDZD7 is on the minus strand); deleting any 8 consecutive bases within chr10:101,030,038-101,030,047 gives the same sequence; the c. name uses the placement nearest the transcript's 3' end. VCF-style (leftmost placement, unchanged base first): chr10-101030037-TGAGGCTCG-T. GRCh37 (hg19) VCF-style: chr10-102789794-TGAGGCTCG-T.
Other names: c.175_182del, p.Arg59fs (NM_001351044.2, NM_024895.5); short protein forms R59fs.
Identifiers: ClinVar variation 2630359 (VCV002630359.1), dbSNP rs2493052165, ClinGen allele CA2695201034.